The following is an entry in ClinVar:

ClinVar aggregate classification (germline): Likely benign (1 of 4 stars; one submission).

Conditions:
Sessile serrated polyposis cancer syndrome (SSPCS). Identifiers: Orphanet 157798, MedGen C4310714, MONDO:0014919, OMIM 617108.

Submission:

Myriad Genetics, Inc.
Classification: Likely benign for Sessile serrated polyposis cancer syndrome. Last evaluated: 2026-06-26. Review status: criteria provided, single submitter. Criteria: Myriad Autosomal Dominant, Autosomal Recessive and X-Linked Classification Criteria (2023). Collection method: clinical testing. Allele origin: unknown.
Comment: This variant is considered likely benign. This variant is intronic and is not expected to impact mRNA splicing.

NM_017763.6(RNF43):c.850-19A>G

Gene: RNF43 (ring finger protein 43; minus strand). Cytogenetic location: 17q22.
Variant type: single nucleotide variant.
Coding change: c.850-19A>G on transcript NM_017763.6 (MANE Select); 19 bases into the intron before coding-DNA position 850, A replaced by G.
Molecular consequence: intron variant.
Genome position (GRCh38, 1-based): chr17:58,360,270, T>C on the plus strand (A>G on the coding strand, the complement: RNF43 is on the minus strand). VCF-style: chr17-58360270-T-C. GRCh37 (hg19) VCF-style: chr17-56437631-T-C.
Other names: c.850-19A>G (NM_001438822.1, NM_001305544.3, NM_001438820.1 and 1 more transcripts); c.469-19A>G (NM_001305545.2, NM_001437987.1).
Identifiers: ClinVar variation 4875724 (VCV004875724.1).
Genomic context (GRCh38, chr17:58,360,270, plus strand): 5'-GTTACGATGGAACTCATGGAGGCAGGAAATGACCCGTAGCTCCTGGAGAAAAAGAGGGGG[T>C]CCAAACCAAAGGCTTCTGTAGCCATAGGAATTGCCAGGAATCAGGACATCCCCCAACTCC-3'